The following is an entry in ClinVar:

NM_012186.3(FOXE3):c.758G>A (p.Cys253Tyr)

Genes: FOXE3 (forkhead box E3; plus strand), LINC01389 (long intergenic non-protein coding RNA 1389; minus strand). Cytogenetic location: 1p33.
Variant type: single nucleotide variant.
Coding change: c.758G>A on transcript NM_012186.3 (MANE Select); coding-DNA position 758, G replaced by A.
Protein change: p.Cys253Tyr; replaces cysteine 253 with tyrosine.
Molecular consequence: missense variant.
Genome position (GRCh38, 1-based): chr1:47,417,073, G>A. VCF-style: chr1-47417073-G-A. GRCh37 (hg19) VCF-style: chr1-47882745-G-A.
Other names: short protein forms C253Y.
Identifiers: ClinVar variation 1759653 (VCV001759653.2), dbSNP rs987224991, ClinGen allele CA340250662.
Genomic context (GRCh38, chr1:47,417,073, plus strand): 5'-GCGCCCCCGAGCCGCCCTGCTGCGCCGCGCCCGACGCCGCAGCCGCAGCCTTCCCGCCCT[G>A]CGCTGCCGCCGCCTCCCCGCCACTCTACTCGCAGGTCCCCGACCGCCTGGTACTGCCCGC-3'
Protein context (NP_036318.1, residues 243-263): PDAAAAAFPP[Cys253Tyr]AAAASPPLYS

ClinVar aggregate classification (germline): Uncertain significance (1 of 4 stars; one submission).

Conditions:
Cardiovascular phenotype. Identifiers: MedGen CN230736.

Submission:

Ambry Genetics
Classification: Uncertain significance for Cardiovascular phenotype. Last evaluated: 2022-05-27. Review status: criteria provided, single submitter. Criteria: Ambry Variant Classification Scheme 2023. Collection method: clinical testing. Allele origin: germline.
Comment: The p.C253Y variant (also known as c.758G>A), located in coding exon 1 of the FOXE3 gene, results from a G to A substitution at nucleotide position 758. The cysteine at codon 253 is replaced by tyrosine, an amino acid with highly dissimilar properties. This amino acid position is conserved. In addition, this alteration is predicted to be tolerated by in silico analysis. Since supporting evidence is limited at this time, the clinical significance of this alteration remains unclear.